The following is an entry in ClinVar:

ClinVar aggregate classification (germline): Uncertain significance (1 of 4 stars; one submission).

Conditions:
Chuvash polycythemia. Also called: POLYCYTHEMIA, VHL-DEPENDENT. Identifiers: Orphanet 238557, MedGen C1837915, MONDO:0009892, OMIM 263400.
Von Hippel-Lindau syndrome (VHLS). Also called: Von Hippel-Lindau; VHL syndrome; von Hippel–Lindau syndrome. Identifiers: Orphanet 892, MedGen C0019562, MONDO:0008667, OMIM 193300. Disease mechanism: loss of function.

Submission:

Labcorp Genetics (formerly Invitae), Labcorp
Classification: Uncertain significance for Von Hippel-Lindau syndrome; Chuvash polycythemia. Last evaluated: 2025-11-19. Review status: criteria provided, single submitter. Criteria: Invitae Variant Classification Sherloc (09022015). Collection method: clinical testing. Allele origin: germline.
Comment: This sequence change falls in intron 1 of the VHL gene. It is not expected to change the encoded amino acid sequence of the VHL protein. However, this sequence change falls within a cryptic exon in the VHL gene, known as exon E1’, which is naturally expressed at low levels in several human tissues (PMID: 29891534). This variant is not present in population databases (gnomAD no frequency). This variant has not been reported in the literature in individuals affected with VHL-related conditions. ClinVar contains an entry for this variant (Variation ID: 1035413). Algorithms developed to predict the effect of sequence changes on RNA splicing suggest that this variant is not likely to affect RNA splicing. In summary, the available evidence is currently insufficient to determine the role of this variant in disease. Therefore, it has been classified as a Variant of Uncertain Significance.

Literature cited by the submitters: PubMed 29891534.

NM_000551.4(VHL):c.340+605G>C

Genes: VHL (von Hippel-Lindau tumor suppressor; plus strand), LOC107303340 (3p25 von Hippel-Lindau tumor suppressor, E3 ubiquitin protein ligase Alu-mediated recombination region; plus strand). Cytogenetic location: 3p25.3.
Variant type: single nucleotide variant.
Coding change: c.340+605G>C on transcript NM_000551.4 (MANE Select); 605 bases into the intron after coding-DNA position 340, G replaced by C.
Molecular consequence: intron variant. On other transcripts: missense variant (1).
Genome position (GRCh38, 1-based): chr3:10,142,792, G>C. VCF-style: chr3-10142792-G-C. GRCh37 (hg19) VCF-style: chr3-10184476-G-C.
Other names: c.370G>C, p.Val124Leu (NM_001354723.2); c.340+605G>C (NM_198156.3); short protein forms V124L.
Identifiers: ClinVar variation 1035413 (VCV001035413.9), dbSNP rs1696158642, ClinGen allele CA1345067182.